The following is an entry in ClinVar:

NM_024753.5(TTC21B):c.1088-3T>C

Gene: TTC21B (tetratricopeptide repeat domain 21B; minus strand). Cytogenetic location: 2q24.3.
Variant type: single nucleotide variant.
Coding change: c.1088-3T>C on transcript NM_024753.5 (MANE Select); 3 bases into the intron before coding-DNA position 1088, T replaced by C.
Molecular consequence: intron variant.
Genome position (GRCh38, 1-based): chr2:165,929,750, A>G on the plus strand (T>C on the coding strand, the complement: TTC21B is on the minus strand). VCF-style: chr2-165929750-A-G. GRCh37 (hg19) VCF-style: chr2-166786260-A-G.
Identifiers: ClinVar variation 287321 (VCV000287321.7), dbSNP rs761658519, ClinGen allele CA1942232.

ClinVar aggregate classification (germline): Uncertain significance. Review status: criteria provided, multiple submitters, no conflicts (2 of 4 stars). 2 submissions from 2 submitters: Uncertain significance (2). Last evaluated 2022-03-13.

Conditions:
Nephronophthisis. Also called: Juvenile Nephronophthisis. Identifiers: Orphanet 655, MedGen C0687120, MONDO:0019005, HP:0000090.
Jeune thoracic dystrophy. Also called: Short-rib thoracic dysplasia; Jeune syndrome; Infantile thoracic dystrophy; Thoracic pelvic phalangeal dystrophy; Jeune's syndrome; Chondroectodermal dysplasia-like syndrome. Identifiers: Orphanet 474, MedGen C0265275, MONDO:0018770.

Allele frequency attached by ClinVar (database versions not stated): gnomAD exomes below 0.00001 and 0.00001; TOPMed below 0.00001; ExAC 0.00001.
gnomAD v4.1: 1 of 1,600,502 alleles (0.000062%); highest among the groups gnomAD compares: East Asian, 0.0022%; no homozygotes.

Submissions (2):

Labcorp Genetics (formerly Invitae), Labcorp
Classification: Uncertain significance for Jeune thoracic dystrophy; Nephronophthisis. Last evaluated: 2022-03-13. Review status: criteria provided, single submitter. Criteria: Invitae Variant Classification Sherloc (09022015). Collection method: clinical testing. Allele origin: germline.
Comment: In summary, the available evidence is currently insufficient to determine the role of this variant in disease. Therefore, it has been classified as a Variant of Uncertain Significance. Variants that disrupt the consensus splice site are a relatively common cause of aberrant splicing (PMID: 17576681, 9536098). Algorithms developed to predict the effect of sequence changes on RNA splicing suggest that this variant is not likely to affect RNA splicing. ClinVar contains an entry for this variant (Variation ID: 287321). This variant has not been reported in the literature in individuals affected with TTC21B-related conditions. This variant is present in population databases (rs761658519, gnomAD 0.01%). This sequence change falls in intron 9 of the TTC21B gene. It does not directly change the encoded amino acid sequence of the TTC21B protein. It affects a nucleotide within the consensus splice site.

Eurofins Ntd Llc (ga)
Classification: Uncertain significance. Last evaluated: 2016-04-18. Review status: criteria provided, single submitter. Criteria: EGL Classification Definitions 2015. Collection method: clinical testing. Allele origin: germline. Observed: 2 variant alleles, 2 heterozygotes.

Literature cited by the submitters: PubMed 17576681 (cited by Labcorp Genetics (formerly Invitae), Labcorp); PubMed 9536098 (cited by Labcorp Genetics (formerly Invitae), Labcorp).